The following is an entry in ClinVar:

NM_000081.4(LYST):c.8912A>G (p.Asn2971Ser)

Gene: LYST (lysosomal trafficking regulator; minus strand). Cytogenetic location: 1q42.3.
Variant type: single nucleotide variant.
Coding change: c.8912A>G on transcript NM_000081.4 (MANE Select); coding-DNA position 8912, A replaced by G.
Protein change: p.Asn2971Ser; replaces asparagine 2971 with serine.
Molecular consequence: missense variant.
Genome position (GRCh38, 1-based): chr1:235,731,067, T>C on the plus strand (A>G on the coding strand, the complement: LYST is on the minus strand). VCF-style: chr1-235731067-T-C. GRCh37 (hg19) VCF-style: chr1-235894367-T-C.
Other names: c.8912A>G, p.Asn2971Ser (NM_001301365.1); short protein forms N2971S.
Identifiers: ClinVar variation 2110520 (VCV002110520.4), dbSNP rs2527530973, ClinGen allele CA344949914.

ClinVar aggregate classification (germline): Uncertain significance (1 of 4 stars; one submission).

Conditions:
Chédiak-Higashi syndrome (CHS). Also called: Chediak-Higashi Syndrome. Identifiers: Orphanet 167, MedGen C0007965, MONDO:0008963, OMIM 214500.

Submission:

Labcorp Genetics (formerly Invitae), Labcorp
Classification: Uncertain significance for Chédiak-Higashi syndrome. Last evaluated: 2024-02-23. Review status: criteria provided, single submitter. Criteria: Invitae Variant Classification Sherloc (09022015). Collection method: clinical testing. Allele origin: germline.
Comment: This sequence change replaces asparagine, which is neutral and polar, with serine, which is neutral and polar, at codon 2971 of the LYST protein (p.Asn2971Ser). This variant is not present in population databases (gnomAD no frequency). This variant has not been reported in the literature in individuals affected with LYST-related conditions. ClinVar contains an entry for this variant (Variation ID: 2110520). Advanced modeling of protein sequence and biophysical properties (such as structural, functional, and spatial information, amino acid conservation, physicochemical variation, residue mobility, and thermodynamic stability) performed at Invitae indicates that this missense variant is not expected to disrupt LYST protein function with a negative predictive value of 80%. Algorithms developed to predict the effect of sequence changes on RNA splicing suggest that this variant may disrupt the consensus splice site. In summary, the available evidence is currently insufficient to determine the role of this variant in disease. Therefore, it has been classified as a Variant of Uncertain Significance.